The following is an entry in ClinVar:

ClinVar aggregate classification (germline): Uncertain significance (1 of 4 stars; one submission).

Allele frequency attached by ClinVar (database versions not stated): gnomAD 0.00001.
gnomAD v4.1: 1 of 1,614,118 alleles (0.000062%); highest among the groups gnomAD compares: African/African-American, 0.0013%; no homozygotes.

Submission:

Ambry Genetics
Classification: Uncertain significance. Last evaluated: 2021-06-13. Review status: criteria provided, single submitter. Criteria: Ambry Variant Classification Scheme 2023. Collection method: clinical testing. Allele origin: germline.
Comment: The p.E379D variant (also known as c.1137G>T), located in coding exon 10 of the RAD54L gene, results from a G to T substitution at nucleotide position 1137. The glutamic acid at codon 379 is replaced by aspartic acid, an amino acid with highly similar properties. This amino acid position is conserved. In addition, this alteration is predicted to be tolerated by in silico analysis. Since supporting evidence is limited at this time, the clinical significance of this alteration remains unclear.

NM_003579.4(RAD54L):c.1137G>T (p.Glu379Asp)

Gene: RAD54L (RAD54 like; plus strand). Cytogenetic location: 1p34.1.
Variant type: single nucleotide variant.
Coding change: c.1137G>T on transcript NM_003579.4 (MANE Select); coding-DNA position 1137, G replaced by T.
Protein change: p.Glu379Asp; replaces glutamic acid 379 with aspartic acid.
Molecular consequence: missense variant.
Genome position (GRCh38, 1-based): chr1:46,270,753, G>T. VCF-style: chr1-46270753-G-T. GRCh37 (hg19) VCF-style: chr1-46736425-G-T.
Other names: c.1137G>T, p.Glu379Asp (NM_001142548.2); c.597G>T, p.Glu199Asp (NM_001370766.1); short protein forms E199D, E379D.
Identifiers: ClinVar variation 1730130 (VCV001730130.2), dbSNP rs1660401219, ClinGen allele CA340175759.